The following is an entry in ClinVar:

ClinVar aggregate classification (germline): Uncertain significance. Review status: criteria provided, multiple submitters, no conflicts (2 of 4 stars). 3 submissions from 3 submitters: Uncertain significance (2). 1 of the submissions does not count toward it. Last evaluated 2021-08-28.

Conditions:
Tay-Sachs disease (TSD). Also called: Hexosaminidase A Deficiency; GM2 gangliosidosis, type 1; Hexosaminidase alpha-subunit deficiency (variant B); Sphingolipidosis, Tay-Sachs; HEXA DEFICIENCY; HEXA Disorders. Identifiers: Orphanet 845, MedGen C0039373, MONDO:0010100, OMIM 272800.

Allele frequency attached by ClinVar (database versions not stated): ExAC 0.00001; gnomAD 0.00001; gnomAD exomes 0.00001 and 0.00002.
gnomAD v4.1: 11 of 1,602,656 alleles (0.00069%); highest among the groups gnomAD compares: African/African-American, 0.0013%; no homozygotes.

Submissions (3):

Labcorp Genetics (formerly Invitae), Labcorp
Classification: Uncertain significance for Tay-Sachs disease. Last evaluated: 2021-08-28. Review status: criteria provided, single submitter. Criteria: Invitae Variant Classification Sherloc (09022015). Collection method: clinical testing. Allele origin: germline.
Comment: This sequence change replaces arginine with glutamine at codon 137 of the HEXA protein (p.Arg137Gln). The arginine residue is highly conserved and there is a small physicochemical difference between arginine and glutamine. This variant is present in population databases (rs769724246, ExAC 0.001%). This variant has not been reported in the literature in individuals affected with HEXA-related conditions. Algorithms developed to predict the effect of missense changes on protein structure and function are either unavailable or do not agree on the potential impact of this missense change (SIFT: "Deleterious"; PolyPhen-2: "Probably Damaging"; Align-GVGD: "Class C0"). In summary, the available evidence is currently insufficient to determine the role of this variant in disease. Therefore, it has been classified as a Variant of Uncertain Significance.

CeGaT Center for Human Genetics Tuebingen
Classification: Uncertain significance. Last evaluated: 2019-08-01. Review status: criteria provided, single submitter. Criteria: CeGaT Center For Human Genetics Tuebingen Variant Classification Criteria Version 2. Collection method: clinical testing. Allele origin: germline. Affected: yes. Observed: 1 variant allele.

Natera, Inc.
Classification: Uncertain significance for Tay-Sachs disease. Last evaluated: 2018-06-06. Review status: no assertion criteria provided. Collection method: clinical testing. Allele origin: germline. Not counted in ClinVar's aggregate classification.

NM_000520.6(HEXA):c.410G>A (p.Arg137Gln)

Gene: HEXA (hexosaminidase subunit alpha; minus strand). Cytogenetic location: 15q23.
Variant type: single nucleotide variant.
Coding change: c.410G>A on transcript NM_000520.6 (MANE Select); coding-DNA position 410, G replaced by A.
Protein change: p.Arg137Gln; replaces arginine 137 with glutamine.
Molecular consequence: missense variant. On other transcripts: non-coding transcript variant (1).
Genome position (GRCh38, 1-based): chr15:72,355,561, C>T on the plus strand (G>A on the coding strand, the complement: HEXA is on the minus strand). VCF-style: chr15-72355561-C-T. GRCh37 (hg19) VCF-style: chr15-72647902-C-T.
Other names: c.443G>A, p.Arg148Gln (NM_001318825.2); short protein forms R148Q, R137Q.
Identifiers: ClinVar variation 853454 (VCV000853454.50), dbSNP rs769724246, ClinGen allele CA7645018.